The following is an entry in ClinVar:

ClinVar aggregate classification (germline): Uncertain significance (1 of 4 stars; one submission).

Submission:

GeneDx
Classification: Uncertain significance. Last evaluated: 2026-07-15. Review status: criteria provided, single submitter. Criteria: GeneDx Variant Classification Process June 2021. Collection method: clinical testing. Allele origin: germline.
Comment: Not observed at significant frequency in large population cohorts (gnomAD); In silico analysis supports that this missense variant has a deleterious effect on protein structure/function; Has not been previously published as pathogenic or benign to our knowledge

NM_000901.5(NR3C2):c.2425C>G (p.Leu809Val)

Gene: NR3C2 (nuclear receptor subfamily 3 group C member 2; minus strand). Cytogenetic location: 4q31.23.
Variant type: single nucleotide variant.
Coding change: c.2425C>G on transcript NM_000901.5 (MANE Select); coding-DNA position 2425, C replaced by G.
Protein change: p.Leu809Val; replaces leucine 809 with valine.
Molecular consequence: missense variant.
Genome position (GRCh38, 1-based): chr4:148,152,554, G>C on the plus strand (C>G on the coding strand, the complement: NR3C2 is on the minus strand). VCF-style: chr4-148152554-G-C. GRCh37 (hg19) VCF-style: chr4-149073705-G-C.
Other names: c.2074C>G, p.Leu692Val (NM_001166104.2, NM_001354819.1); short protein forms L692V, L809V.
Identifiers: ClinVar variation 3342534 (VCV003342534.2).